The following is an entry in ClinVar:

NM_182961.4(SYNE1):c.15986A>C (p.Glu5329Ala)

Gene: SYNE1 (spectrin repeat containing nuclear envelope protein 1; minus strand). Cytogenetic location: 6q25.2.
Variant type: single nucleotide variant.
Coding change: c.15986A>C on transcript NM_182961.4 (MANE Select); coding-DNA position 15986, A replaced by C.
Protein change: p.Glu5329Ala; replaces glutamic acid 5329 with alanine.
Molecular consequence: missense variant.
Genome position (GRCh38, 1-based): chr6:152,321,818, T>G on the plus strand (A>C on the coding strand, the complement: SYNE1 is on the minus strand). VCF-style: chr6-152321818-T-G. GRCh37 (hg19) VCF-style: chr6-152642953-T-G.
Other names: c.15773A>C, p.Glu5258Ala (NM_033071.5); short protein forms E5258A, E5329A.
Identifiers: ClinVar variation 290287 (VCV000290287.9), dbSNP rs886044412, ClinGen allele CA10606722.

ClinVar aggregate classification (germline): Uncertain significance. Review status: criteria provided, multiple submitters, no conflicts (2 of 4 stars). 3 submissions from 3 submitters: Uncertain significance (3). Last evaluated 2024-05-03.

Conditions:
Autosomal recessive ataxia, Beauce type. Also called: Spinocerebellar ataxia, autosomal recessive 8; ATAXIA, RECESSIVE, OF BEAUCE; SYNE1 Deficiency; SYNE1-Related Autosomal Recessive Cerebellar Ataxia. Identifiers: Orphanet 88644, MedGen C1853116, MONDO:0012549, OMIM 610743.
Emery-Dreifuss muscular dystrophy 4, autosomal dominant (EDMD4). Also called: EMERY-DREIFUSS MUSCULAR DYSTROPHY 4 WITH VARIABLE FEATURES. Identifiers: Orphanet 261, MedGen C2751807, MONDO:0013071, OMIM 612998.

Allele frequency attached by ClinVar (database versions not stated): gnomAD exomes below 0.00001; TOPMed 0.00002; gnomAD 0.00003.
gnomAD v4.1: 9 of 1,613,930 alleles (0.00056%); highest among the groups gnomAD compares: African/African-American, 0.0013%; no homozygotes.

Submissions (3):

Labcorp Genetics (formerly Invitae), Labcorp
Classification: Uncertain significance for Emery-Dreifuss muscular dystrophy 4, autosomal dominant; Autosomal recessive ataxia, Beauce type. Last evaluated: 2024-05-03. Review status: criteria provided, single submitter. Criteria: Invitae Variant Classification Sherloc (09022015). Collection method: clinical testing. Allele origin: germline.
Comment: This sequence change replaces glutamic acid, which is acidic and polar, with alanine, which is neutral and non-polar, at codon 5258 of the SYNE1 protein (p.Glu5258Ala). This variant is not present in population databases (gnomAD no frequency). This variant has not been reported in the literature in individuals affected with SYNE1-related conditions. ClinVar contains an entry for this variant (Variation ID: 290287). An algorithm developed to predict the effect of missense changes on protein structure and function (PolyPhen-2) suggests that this variant is likely to be disruptive. In summary, the available evidence is currently insufficient to determine the role of this variant in disease. Therefore, it has been classified as a Variant of Uncertain Significance.

Athena Diagnostics
Classification: Uncertain significance. Last evaluated: 2020-10-26. Review status: criteria provided, single submitter. Criteria: Athena Diagnostics criteria. Collection method: clinical testing. Allele origin: unknown.

Eurofins Ntd Llc (ga)
Classification: Uncertain significance. Last evaluated: 2016-08-15. Review status: criteria provided, single submitter. Criteria: EGL Classification Definitions 2015. Collection method: clinical testing. Allele origin: germline. Observed: 1 variant allele, 1 heterozygote.